The following is an entry in ClinVar:

NM_001903.5(CTNNA1):c.1533C>A (p.Phe511Leu)

Gene: CTNNA1 (catenin alpha 1; plus strand). Cytogenetic location: 5q31.2.
Variant type: single nucleotide variant.
Coding change: c.1533C>A on transcript NM_001903.5 (MANE Select); coding-DNA position 1533, C replaced by A.
Protein change: p.Phe511Leu; replaces phenylalanine 511 with leucine.
Molecular consequence: missense variant.
Genome position (GRCh38, 1-based): chr5:138,917,885, C>A. VCF-style: chr5-138917885-C-A. GRCh37 (hg19) VCF-style: chr5-138253574-C-A.
Other names: c.423C>A, p.Phe141Leu (NM_001324000.1, NM_001324001.1, NM_001324002.1 and 17 more transcripts); c.84C>A, p.Phe28Leu (NM_001324006.1, NM_001324007.1, NM_001324008.1 and 2 more transcripts); c.1533C>A, p.Phe511Leu (NM_001290307.3, NM_001323982.2, NM_001323983.1 and 2 more transcripts); c.1224C>A, p.Phe408Leu (NM_001290309.3); c.1164C>A, p.Phe388Leu (NM_001290310.3); c.1440C>A, p.Phe480Leu (NM_001323986.2); c.330C>A, p.Phe110Leu (NM_001324011.1); c.180C>A, p.Phe60Leu (NM_001324012.1, NM_001324013.1); short protein forms F408L, F480L, F511L, F141L, F28L, F60L, F110L, F388L.
Identifiers: ClinVar variation 2055609 (VCV002055609.4), dbSNP rs2533591907, ClinGen allele CA361137402.

ClinVar aggregate classification (germline): Uncertain significance (1 of 4 stars; one submission).

Submission:

Labcorp Genetics (formerly Invitae), Labcorp
Classification: Uncertain significance. Last evaluated: 2021-12-23. Review status: criteria provided, single submitter. Criteria: Invitae Variant Classification Sherloc (09022015). Collection method: clinical testing. Allele origin: germline.
Comment: This variant is not present in population databases (gnomAD no frequency). This variant has not been reported in the literature in individuals affected with CTNNA1-related conditions. Algorithms developed to predict the effect of missense changes on protein structure and function are either unavailable or do not agree on the potential impact of this missense change (SIFT: "Deleterious"; PolyPhen-2: "Probably Damaging"; Align-GVGD: "Class C15"). In summary, the available evidence is currently insufficient to determine the role of this variant in disease. Therefore, it has been classified as a Variant of Uncertain Significance. This sequence change replaces phenylalanine, which is neutral and non-polar, with leucine, which is neutral and non-polar, at codon 511 of the CTNNA1 protein (p.Phe511Leu).